The following is an entry in ClinVar:

ClinVar aggregate classification (germline): Uncertain significance. Review status: criteria provided, multiple submitters, no conflicts (2 of 4 stars). 2 submissions from 2 submitters: Uncertain significance (2). Last evaluated 2024-05-12.

Conditions:
Fanconi anemia complementation group A (FANCA). Also called: FANCA-Related Fanconi Anemia; Fanconi anemia, group A. Identifiers: Orphanet 84, MedGen C3469521, MONDO:0009215, OMIM 227650.
Fanconi anemia (FA). Also called: Fanconi's anemia. Identifiers: Orphanet 84, MedGen C0015625, MeSH D005199, MONDO:0019391.

Allele frequency attached by ClinVar (database versions not stated): gnomAD exomes 0.00001.
gnomAD v4.1: 2 of 1,614,098 alleles (0.00012%); highest among the groups gnomAD compares: Admixed American, 0.0033%; no homozygotes.

Submissions (2):

Fulgent Genetics
Classification: Uncertain significance for Fanconi anemia complementation group A. Last evaluated: 2024-05-12. Review status: criteria provided, single submitter. Criteria: ACMG Guidelines, 2015. Collection method: clinical testing. Allele origin: germline.

Labcorp Genetics (formerly Invitae), Labcorp
Classification: Uncertain significance for Fanconi anemia. Last evaluated: 2021-07-13. Review status: criteria provided, single submitter. Criteria: Invitae Variant Classification Sherloc (09022015). Collection method: clinical testing. Allele origin: germline.
Comment: This sequence change replaces leucine with phenylalanine at codon 1090 of the FANCA protein (p.Leu1090Phe). The leucine residue is highly conserved and there is a small physicochemical difference between leucine and phenylalanine. This variant is not present in population databases (ExAC no frequency). This variant has not been reported in the literature in individuals affected with FANCA-related conditions. Algorithms developed to predict the effect of missense changes on protein structure and function are either unavailable or do not agree on the potential impact of this missense change (SIFT: "Deleterious"; PolyPhen-2: "Possibly Damaging"; Align-GVGD: "Class C15"). In summary, the available evidence is currently insufficient to determine the role of this variant in disease. Therefore, it has been classified as a Variant of Uncertain Significance.

NM_000135.4(FANCA):c.3268C>T (p.Leu1090Phe)

Gene: FANCA (FA complementation group A; minus strand). Cytogenetic location: 16q24.3.
Variant type: single nucleotide variant.
Coding change: c.3268C>T on transcript NM_000135.4 (MANE Select); coding-DNA position 3268, C replaced by T.
Protein change: p.Leu1090Phe; replaces leucine 1090 with phenylalanine.
Molecular consequence: missense variant.
Genome position (GRCh38, 1-based): chr16:89,748,739, G>A on the plus strand (C>T on the coding strand, the complement: FANCA is on the minus strand). VCF-style: chr16-89748739-G-A. GRCh37 (hg19) VCF-style: chr16-89815147-G-A.
Other names: c.3268C>T, p.Leu1090Phe (NM_001286167.3); short protein forms L1090F.
Identifiers: ClinVar variation 1521382 (VCV001521382.9), dbSNP rs1567603054, ClinGen allele CA397486357.